The following is an entry in ClinVar:

ClinVar aggregate classification (germline): Uncertain significance (1 of 4 stars; one submission).

Conditions:
Tuberous sclerosis 2 (TSC2). Identifiers: Orphanet 805, MedGen C1860707, MONDO:0013199, OMIM 613254.

Allele frequency attached by ClinVar (database versions not stated): gnomAD exomes below 0.00001.
gnomAD v4.1: 3 of 1,562,456 alleles (0.00019%); highest among the groups gnomAD compares: Non-Finnish European, 0.00026%; no homozygotes.

Submission:

Labcorp Genetics (formerly Invitae), Labcorp
Classification: Uncertain significance for Tuberous sclerosis 2. Last evaluated: 2019-04-25. Review status: criteria provided, single submitter. Criteria: Invitae Variant Classification Sherloc (09022015). Collection method: clinical testing. Allele origin: germline.
Comment: Nucleotide substitutions within the consensus splice site are a relatively common cause of aberrant splicing (PMID: 17576681, 9536098). Algorithms developed to predict the effect of sequence changes on RNA splicing suggest that this variant is not likely to affect RNA splicing, but this prediction has not been confirmed by published transcriptional studies. In summary, the available evidence is currently insufficient to determine the role of this variant in disease. Therefore, it has been classified as a Variant of Uncertain Significance. This variant has not been reported in the literature in individuals with TSC2-related conditions. This variant is not present in population databases (ExAC no frequency). This sequence change falls in intron 4 of the TSC2 gene. It does not directly change the encoded amino acid sequence of the TSC2 protein, but it affects a nucleotide within the consensus splice site of the intron.

Literature cited by the submitters: PubMed 17576681; PubMed 9536098.

NM_000548.5(TSC2):c.336+6G>A

Gene: TSC2 (TSC complex subunit 2; plus strand). Cytogenetic location: 16p13.3.
Variant type: single nucleotide variant.
Coding change: c.336+6G>A on transcript NM_000548.5 (MANE Select); 6 bases into the intron after coding-DNA position 336, G replaced by A.
Molecular consequence: intron variant.
Genome position (GRCh38, 1-based): chr16:2,053,458, G>A. VCF-style: chr16-2053458-G-A. GRCh37 (hg19) VCF-style: chr16-2103459-G-A.
Other names: c.336+6G>A (NM_001114382.3, NM_021055.3, NM_001370405.1 and 3 more transcripts); c.226-838G>A (NM_001318827.2); c.-1-2738G>A (NM_001318831.2); c.189+6G>A (NM_001318829.2); c.369+6G>A (NM_001318832.2).
Identifiers: ClinVar variation 949831 (VCV000949831.9), dbSNP rs2085379244, ClinGen allele CA1139664326.